The following is an entry in ClinVar:

ClinVar aggregate classification (germline): Uncertain significance (1 of 4 stars; one submission).

Allele frequency attached by ClinVar (database versions not stated): gnomAD exomes below 0.00001; ExAC 0.00001.

Submission:

Labcorp Genetics (formerly Invitae), Labcorp
Classification: Uncertain significance. Last evaluated: 2022-07-14. Review status: criteria provided, single submitter. Criteria: Invitae Variant Classification Sherloc (09022015). Collection method: clinical testing. Allele origin: germline.
Comment: In summary, the available evidence is currently insufficient to determine the role of this variant in disease. Therefore, it has been classified as a Variant of Uncertain Significance. Algorithms developed to predict the effect of missense changes on protein structure and function are either unavailable or do not agree on the potential impact of this missense change (SIFT: "Deleterious"; PolyPhen-2: "Probably Damaging"; Align-GVGD: "Class C0"). This variant has not been reported in the literature in individuals affected with SLC20A2-related conditions. The frequency data for this variant in the population databases is considered unreliable, as metrics indicate poor data quality at this position in the gnomAD database. This sequence change replaces valine, which is neutral and non-polar, with methionine, which is neutral and non-polar, at codon 421 of the SLC20A2 protein (p.Val421Met).

NM_001257180.2(SLC20A2):c.1261G>A (p.Val421Met)

Gene: SLC20A2 (solute carrier family 20 member 2; minus strand). Cytogenetic location: 8p11.21.
Variant type: single nucleotide variant.
Coding change: c.1261G>A on transcript NM_001257180.2 (MANE Select); coding-DNA position 1261, G replaced by A.
Protein change: p.Val421Met; replaces valine 421 with methionine.
Molecular consequence: missense variant.
Genome position (GRCh38, 1-based): chr8:42,437,251, C>T on the plus strand (G>A on the coding strand, the complement: SLC20A2 is on the minus strand). VCF-style: chr8-42437251-C-T. GRCh37 (hg19) VCF-style: chr8-42294769-C-T.
Other names: c.1261G>A, p.Val421Met (NM_001257181.2, NM_006749.5); short protein forms V421M.
Identifiers: ClinVar variation 2016948 (VCV002016948.4), dbSNP rs757283528, ClinGen allele CA4733356.